The following is an entry in ClinVar:

ClinVar aggregate classification (germline): Likely benign (1 of 4 stars; one submission).

Conditions:
Familial cancer of breast. Also called: BREAST CANCER, FAMILIAL; Hereditary breast cancer; hereditary breast carcinoma. Identifiers: Orphanet 227535, MedGen C0346153, MONDO:0016419, OMIM 114480. Disease mechanism: loss of function.

Submission:

Myriad Genetics, Inc.
Classification: Likely benign for Familial cancer of breast. Last evaluated: 2024-04-17. Review status: criteria provided, single submitter. Criteria: Myriad Autosomal Dominant, Autosomal Recessive and X-Linked Classification Criteria (2023). Collection method: clinical testing. Allele origin: unknown.
Comment: This variant is considered likely benign. This variant is intronic and is not expected to impact mRNA splicing.

NM_000051.4(ATM):c.73-11T>C

Gene: ATM (ATM serine/threonine kinase; plus strand). Cytogenetic location: 11q22.3.
Variant type: single nucleotide variant.
Coding change: c.73-11T>C on transcript NM_000051.4 (MANE Select); 11 bases into the intron before coding-DNA position 73, T replaced by C.
Molecular consequence: intron variant.
Genome position (GRCh38, 1-based): chr11:108,227,765, T>C. VCF-style: chr11-108227765-T-C. GRCh37 (hg19) VCF-style: chr11-108098492-T-C.
Other names: c.73-11T>C (NM_001351834.2, NM_001351835.2, NM_001351836.2).
Identifiers: ClinVar variation 3253997 (VCV003253997.1), dbSNP rs2135009950.